The following is an entry in ClinVar:

ClinVar aggregate classification (germline): Likely benign (1 of 4 stars; one submission).

Allele frequency attached by ClinVar (database versions not stated): gnomAD exomes below 0.00001; TOPMed below 0.00001; gnomAD 0.00001.
gnomAD v4.1: 8 of 1,610,048 alleles (0.0005%); highest among the groups gnomAD compares: Admixed American, 0.005%; no homozygotes.

Submission:

CeGaT Center for Human Genetics Tuebingen
Classification: Likely benign. Last evaluated: 2022-07-01. Review status: criteria provided, single submitter. Criteria: CeGaT Center For Human Genetics Tuebingen Variant Classification Criteria Version 2. Collection method: clinical testing. Allele origin: germline. Affected: yes. Observed: 1 variant allele.
Comment: SCAMP4: BP4, BP7

NM_079834.4(SCAMP4):c.246G>A (p.Thr82=)

Gene: SCAMP4 (secretory carrier membrane protein 4; plus strand). Cytogenetic location: 19p13.3.
Variant type: single nucleotide variant.
Coding change: c.246G>A on transcript NM_079834.4 (MANE Select); coding-DNA position 246, G replaced by A.
Protein change: p.Thr82=; no amino-acid change (threonine 82 retained).
Molecular consequence: synonymous variant.
Genome position (GRCh38, 1-based): chr19:1,918,236, G>A. VCF-style: chr19-1918236-G-A. GRCh37 (hg19) VCF-style: chr19-1918235-G-A.
Other names: c.114G>A, p.Thr38= (NM_001329539.2); c.246G>A, p.Thr82= (NM_001329540.2).
Identifiers: ClinVar variation 2648951 (VCV002648951.24), dbSNP rs1425238413, ClinGen allele CA504907854.